The following is an entry in ClinVar:

ClinVar aggregate classification (germline): Uncertain significance. Review status: criteria provided, multiple submitters, no conflicts (2 of 4 stars). 2 submissions from 2 submitters: Uncertain significance (2). Last evaluated 2025-03-14.

Allele frequency attached by ClinVar (database versions not stated): ESP Exome Variant Server 0.00008; ExAC 0.00015; 1000 Genomes Project 30x 0.00016; gnomAD exomes 0.00003; gnomAD 0.00005; 1000 Genomes Project 0.00020.
gnomAD v4.1: 47 of 1,589,362 alleles (0.003%); highest among the groups gnomAD compares: East Asian, 0.083%; no homozygotes.

Submissions (2):

Ambry Genetics
Classification: Uncertain significance. Last evaluated: 2025-03-14. Review status: criteria provided, single submitter. Criteria: Ambry Variant Classification Scheme 2023. Collection method: clinical testing. Allele origin: germline.

Labcorp Genetics (formerly Invitae), Labcorp
Classification: Uncertain significance. Last evaluated: 2025-01-30. Review status: criteria provided, single submitter. Criteria: Invitae Variant Classification Sherloc (09022015). Collection method: clinical testing. Allele origin: germline.
Comment: This sequence change replaces arginine, which is basic and polar, with tryptophan, which is neutral and slightly polar, at codon 1011 of the TNK2 protein (p.Arg1011Trp). This variant is present in population databases (rs376634615, gnomAD 0.1%), and has an allele count higher than expected for a pathogenic variant. This variant has not been reported in the literature in individuals affected with TNK2-related conditions. ClinVar contains an entry for this variant (Variation ID: 2368187). An algorithm developed to predict the effect of missense changes on protein structure and function (PolyPhen-2) suggests that this variant is likely to be disruptive. In summary, the available evidence is currently insufficient to determine the role of this variant in disease. Therefore, it has been classified as a Variant of Uncertain Significance.

NM_001382273.1(TNK2):c.2842C>T (p.Arg948Trp)

Gene: TNK2 (tyrosine kinase non receptor 2; minus strand). Cytogenetic location: 3q29.
Variant type: single nucleotide variant.
Coding change: c.2842C>T on transcript NM_001382273.1 (MANE Select); coding-DNA position 2842, C replaced by T.
Protein change: p.Arg948Trp; replaces arginine 948 with tryptophan.
Molecular consequence: missense variant. On other transcripts: non-coding transcript variant (15).
Genome position (GRCh38, 1-based): chr3:195,867,456, G>A on the plus strand (C>T on the coding strand, the complement: TNK2 is on the minus strand). VCF-style: chr3-195867456-G-A. GRCh37 (hg19) VCF-style: chr3-195594327-G-A.
Other names: c.2914C>T, p.Arg972Trp (NM_001010938.2, NM_001382272.1); c.2893C>T, p.Arg965Trp (NM_001308046.2, NM_001382271.1); c.2842C>T, p.Arg948Trp (NM_001382274.1, NM_001387716.1, NM_001387717.1 and 1 more transcripts); c.2938C>T, p.Arg980Trp (NM_001382275.1, NM_001387707.1); c.2797C>T, p.Arg933Trp (NM_001386164.1, NM_001387709.1, NM_001387720.1 and 8 more transcripts); c.2869C>T, p.Arg957Trp (NM_001387708.1, NM_001387715.1); short protein forms R948W, R980W, R933W, R957W, R965W, R972W.
Identifiers: ClinVar variation 2368187 (VCV002368187.5), dbSNP rs376634615, ClinGen allele CA2775791.
Genomic context (GRCh38, chr3:195,867,456, plus strand): 5'-GCCCATCGCCAGGGCAGCCCCTCTGTGGCAGCCGAGCAGTGGCCCTCGGGGGTGGTGGCC[G>A]GGCCCCTGGGTTGCTGTTGTTGGTGGAGAAGTTGGCCTTGGGGTCCAAGGCAGCCTGGGG-3'
Protein context (NP_001369202.1, residues 938-958): FSTNNSNPGA[Arg948Trp]PPPPRATARL